The following is an entry in ClinVar:

ClinVar aggregate classification (germline): Likely benign (0 of 4 stars; one submission).

Conditions:
HHAT-related disorder. Also called: HHAT-related condition.

gnomAD v4.1: 23 of 1,426,680 alleles (0.0016%); highest among the groups gnomAD compares: East Asian, 0.015%; no homozygotes.

Submission:

PreventionGenetics, part of Exact Sciences
Classification: Likely benign for HHAT-related condition. Last evaluated: 2024-06-19. Review status: no assertion criteria provided. Collection method: clinical testing. Allele origin: germline.
Comment: This variant is classified as likely benign based on ACMG/AMP sequence variant interpretation guidelines (Richards et al. 2015 PMID: 25741868, with internal and published modifications).

NM_018194.6(HHAT):c.-87C>T

Gene: HHAT (hedgehog acyltransferase; plus strand). Cytogenetic location: 1q32.2.
Variant type: single nucleotide variant.
Coding change: c.-87C>T on transcript NM_018194.6 (MANE Select); 87 bases upstream of the start codon, C replaced by T.
Molecular consequence: 5 prime UTR variant. On other transcripts: synonymous variant (1), intron variant (2).
Genome position (GRCh38, 1-based): chr1:210,329,061, C>T. VCF-style: chr1-210329061-C-T. GRCh37 (hg19) VCF-style: chr1-210502405-C-T.
Other names: c.51C>T, p.Gly17= (NM_001170587.3); c.-87C>T (NM_001170588.3); c.-44+677C>T (NM_001122834.4, NM_001170564.3).
Identifiers: ClinVar variation 3351290 (VCV003351290.1).
Genomic context (GRCh38, chr1:210,329,061, plus strand): 5'-GCCGCCGCCGATGTCGCTGGGACTCGGAAGTGCCGAAAGAGGGGTGTTGGGAACTCGCGG[C>T]GCGCGTGAACGTTGCCGTCGCCGCCGCCCGGGACAGCCCGGAGGTTGGTAACTGGTGACC-3'